The following is an entry in ClinVar:

NC_000011.9:g.(?_85346691)_(85347273_?)dup

Gene: TMEM126B (transmembrane protein 126B; plus strand). Cytogenetic location: 11q14.1.
Variant type: Duplication.
Identifiers: ClinVar variation 1064302 (VCV001064302.2).

ClinVar aggregate classification (germline): Uncertain significance (1 of 4 stars; one submission).

Submission:

Labcorp Genetics (formerly Invitae), Labcorp
Classification: Uncertain significance. Last evaluated: 2022-07-20. Review status: criteria provided, single submitter. Criteria: Invitae Variant Classification Sherloc (09022015). Collection method: clinical testing. Allele origin: germline.
Comment: This variant results in a copy number gain of the genomic region encompassing exon(s) 4-5 of the TMEM126B gene. This region includes the termination codon of the gene. This copy number gain extends beyond the assayed region for this gene and therefore may encompass additional genes. As the precise location of this event is unknown, it may be in tandem or it may be located elsewhere in the genome. This variant has not been reported in the literature in individuals affected with TMEM126B-related conditions. Experimental studies and prediction algorithms are not available or were not evaluated, and the functional significance of this variant is currently unknown. In summary, the available evidence is currently insufficient to determine the role of this variant in disease. Therefore, it has been classified as a Variant of Uncertain Significance.